The following is an entry in ClinVar:

ClinVar aggregate classification (germline): Benign. Review status: criteria provided, multiple submitters, no conflicts (2 of 4 stars). 3 submissions from 3 submitters: Benign (2). 1 of the submissions does not count toward it. Last evaluated 2019-01-03.

Conditions:
GLI1-related disorder. Also called: GLI1-related condition.

Allele frequency attached by ClinVar (database versions not stated): gnomAD exomes 0.00047 and 0.00122; ExAC 0.00175; 1000 Genomes Project 0.00399; 1000 Genomes Project 30x 0.00437; gnomAD 0.00520 and 0.00568; TOPMed 0.00582; ESP Exome Variant Server 0.00607.
gnomAD v4.1: 1,508 of 1,613,570 alleles (0.093%); highest among the groups gnomAD compares: African/African-American, 1.8%; 10 homozygotes.

Submissions (3):

Labcorp Genetics (formerly Invitae), Labcorp
Classification: Benign. Last evaluated: 2019-01-03. Review status: criteria provided, single submitter. Criteria: Invitae Variant Classification Sherloc (09022015). Collection method: clinical testing. Allele origin: germline.

Breakthrough Genomics
Classification: Benign. Review status: criteria provided, single submitter. Criteria: ACMG Guidelines, 2015. Collection method: not provided. Allele origin: germline. Inheritance: Autosomal recessive inheritance. Affected: yes.

PreventionGenetics, part of Exact Sciences
Classification: Benign for GLI1-related condition. Last evaluated: 2019-06-06. Review status: no assertion criteria provided. Collection method: clinical testing. Allele origin: germline. Not counted in ClinVar's aggregate classification.
Comment: This variant is classified as benign based on ACMG/AMP sequence variant interpretation guidelines (Richards et al. 2015 PMID: 25741868, with internal and published modifications).

NM_005269.3(GLI1):c.1560C>T (p.Pro520=)

Gene: GLI1 (GLI family zinc finger 1; plus strand). Cytogenetic location: 12q13.3.
Variant type: single nucleotide variant.
Coding change: c.1560C>T on transcript NM_005269.3 (MANE Select); coding-DNA position 1560, C replaced by T.
Protein change: p.Pro520=; no amino-acid change (proline 520 retained).
Molecular consequence: synonymous variant.
Genome position (GRCh38, 1-based): chr12:57,469,682, C>T. VCF-style: chr12-57469682-C-T. GRCh37 (hg19) VCF-style: chr12-57863465-C-T.
Other names: c.1176C>T, p.Pro392= (NM_001160045.2); c.1437C>T, p.Pro479= (NM_001167609.2).
Identifiers: ClinVar variation 790118 (VCV000790118.6), dbSNP rs74607574, ClinGen allele CA6648812.